The following is an entry in ClinVar:

ClinVar aggregate classification (germline): Uncertain significance (1 of 4 stars; one submission).

Conditions:
Epilepsy, X-linked 1, with variable learning disabilities and behavior disorders. Also called: X-linked epilepsy-learning disabilities-behavior disorders syndrome. Identifiers: Orphanet 85294, MedGen C5774177, MONDO:0010339, OMIM 300491.

Submission:

Labcorp Genetics (formerly Invitae), Labcorp
Classification: Uncertain significance for Epilepsy, X-linked 1, with variable learning disabilities and behavior disorders. Last evaluated: 2025-03-11. Review status: criteria provided, single submitter. Criteria: Invitae Variant Classification Sherloc (09022015). Collection method: clinical testing. Allele origin: germline.
Comment: This sequence change replaces alanine, which is neutral and non-polar, with threonine, which is neutral and polar, at codon 155 of the SYN1 protein (p.Ala155Thr). The frequency data for this variant in the population databases is considered unreliable, as metrics indicate poor data quality at this position in the gnomAD database. This variant has not been reported in the literature in individuals affected with SYN1-related conditions. An algorithm developed to predict the effect of missense changes on protein structure and function (PolyPhen-2) suggests that this variant is likely to be disruptive. In summary, the available evidence is currently insufficient to determine the role of this variant in disease. Therefore, it has been classified as a Variant of Uncertain Significance.

NM_006950.3(SYN1):c.463G>A (p.Ala155Thr)

Gene: SYN1 (synapsin I; minus strand). Cytogenetic location: Xp11.23.
Variant type: single nucleotide variant.
Coding change: c.463G>A on transcript NM_006950.3 (MANE Select); coding-DNA position 463, G replaced by A.
Protein change: p.Ala155Thr; replaces alanine 155 with threonine.
Molecular consequence: missense variant.
Genome position (GRCh38, 1-based): chrX:47,607,009, C>T on the plus strand (G>A on the coding strand, the complement: SYN1 is on the minus strand). VCF-style: chrX-47607009-C-T. GRCh37 (hg19) VCF-style: chrX-47466408-C-T.
Other names: c.463G>A, p.Ala155Thr (NM_133499.2); short protein forms A155T.
Identifiers: ClinVar variation 4761090 (VCV004761090.1).